The following is an entry in ClinVar:

NM_001376.5(DYNC1H1):c.7732G>A (p.Glu2578Lys)

Gene: DYNC1H1 (dynein cytoplasmic 1 heavy chain 1; plus strand). Cytogenetic location: 14q32.31.
Variant type: single nucleotide variant.
Coding change: c.7732G>A on transcript NM_001376.5 (MANE Select); coding-DNA position 7732, G replaced by A.
Protein change: p.Glu2578Lys; replaces glutamic acid 2578 with lysine.
Molecular consequence: missense variant.
Genome position (GRCh38, 1-based): chr14:102,016,883, G>A. VCF-style: chr14-102016883-G-A. GRCh37 (hg19) VCF-style: chr14-102483220-G-A.
Other names: short protein forms E2578K.
Identifiers: ClinVar variation 835253 (VCV000835253.10), dbSNP rs749628606, ClinGen allele CA7352883.

ClinVar aggregate classification (germline): Uncertain significance. Review status: criteria provided, multiple submitters, no conflicts (2 of 4 stars). 2 submissions from 2 submitters: Uncertain significance (2). Last evaluated 2021-05-06.

Conditions:
Inborn genetic diseases. Identifiers: MedGen C0950123, MeSH D030342.
Charcot-Marie-Tooth disease axonal type 2O. Also called: CHARCOT-MARIE-TOOTH NEUROPATHY, AXONAL, TYPE 2O; CHARCOT-MARIE-TOOTH DISEASE, AXONAL, AUTOSOMAL DOMINANT, TYPE 2O; Charcot-Marie-Tooth Neuropathy Type 2O; Charcot-Marie-Tooth disease, axonal, type 20. Identifiers: Orphanet 284232, MedGen C3280220, MONDO:0013644, OMIM 614228.

Allele frequency attached by ClinVar (database versions not stated): gnomAD exomes below 0.00001; TOPMed below 0.00001; ExAC 0.00001.
gnomAD v4.1: 2 of 1,614,218 alleles (0.00012%); highest among the groups gnomAD compares: Non-Finnish European, 0.00017%; no homozygotes.

Submissions (2):

Ambry Genetics
Classification: Uncertain significance for Inborn genetic diseases. Last evaluated: 2021-05-06. Review status: criteria provided, single submitter. Criteria: Ambry Variant Classification Scheme 2023. Collection method: clinical testing. Allele origin: germline.

Labcorp Genetics (formerly Invitae), Labcorp
Classification: Uncertain significance for Charcot-Marie-Tooth disease axonal type 2O. Last evaluated: 2020-01-23. Review status: criteria provided, single submitter. Criteria: Invitae Variant Classification Sherloc (09022015). Collection method: clinical testing. Allele origin: germline.
Comment: In summary, the available evidence is currently insufficient to determine the role of this variant in disease. Therefore, it has been classified as a Variant of Uncertain Significance. Algorithms developed to predict the effect of missense changes on protein structure and function are either unavailable or do not agree on the potential impact of this missense change (SIFT: "Deleterious"; PolyPhen-2: "Probably Damaging"; Align-GVGD: "Class C0"). This variant has not been reported in the literature in individuals with DYNC1H1-related conditions. This variant is present in population databases (rs749628606, ExAC 0.002%). This sequence change replaces glutamic acid with lysine at codon 2578 of the DYNC1H1 protein (p.Glu2578Lys). The glutamic acid residue is highly conserved and there is a small physicochemical difference between glutamic acid and lysine.